The following is an entry in ClinVar:

NM_001291303.3(FAT4):c.8592G>A (p.Val2864=)

Gene: FAT4 (FAT atypical cadherin 4; plus strand). Cytogenetic location: 4q28.1.
Variant type: single nucleotide variant.
Coding change: c.8592G>A on transcript NM_001291303.3 (MANE Select); coding-DNA position 8592, G replaced by A.
Protein change: p.Val2864=; no amino-acid change (valine 2864 retained).
Molecular consequence: synonymous variant.
Genome position (GRCh38, 1-based): chr4:125,449,602, G>A. VCF-style: chr4-125449602-G-A. GRCh37 (hg19) VCF-style: chr4-126370757-G-A.
Other names: c.8592G>A, p.Val2864= (NM_001291285.3); c.8586G>A, p.Val2862= (NM_024582.6).
Identifiers: ClinVar variation 384298 (VCV000384298.13), dbSNP rs111758803, ClinGen allele CA3073400.

ClinVar aggregate classification (germline): Benign/Likely benign. Review status: criteria provided, multiple submitters, no conflicts (2 of 4 stars). 4 submissions from 4 submitters: Benign (3); Likely benign (1). Last evaluated 2026-02-02.

Conditions:
Van Maldergem syndrome 2 (VMLDS2). Identifiers: Orphanet 314679, MedGen C3809875, MONDO:0014242, OMIM 615546.
Hennekam lymphangiectasia-lymphedema syndrome 2 (HKLLS2). Identifiers: Orphanet 2136, MedGen C4014939, MONDO:0014454, OMIM 616006.

Allele frequency attached by ClinVar (database versions not stated): gnomAD exomes 0.00129 and 0.00364; ExAC 0.00450; gnomAD 0.01467 and 0.01583; ESP Exome Variant Server 0.01545; 1000 Genomes Project 0.01617; 1000 Genomes Project 30x 0.01624; TOPMed 0.01678.
gnomAD v4.1: 4,205 of 1,613,772 alleles (0.26%); highest among the groups gnomAD compares: African/African-American, 5%; 101 homozygotes.

Submissions (4):

Labcorp Genetics (formerly Invitae), Labcorp
Classification: Benign. Last evaluated: 2026-02-02. Review status: criteria provided, single submitter. Criteria: Invitae Variant Classification Sherloc (09022015). Collection method: clinical testing. Allele origin: germline.

Fulgent Genetics
Classification: Likely benign for Van Maldergem syndrome 2; Hennekam lymphangiectasia-lymphedema syndrome 2. Last evaluated: 2021-12-03. Review status: criteria provided, single submitter. Criteria: ACMG Guidelines, 2015. Collection method: clinical testing. Allele origin: unknown.

GeneDx
Classification: Benign. Last evaluated: 2016-05-25. Review status: criteria provided, single submitter. Criteria: GeneDx Variant Classification (06012015). Collection method: clinical testing. Allele origin: germline. Affected: yes.
Comment: This variant is considered likely benign or benign based on one or more of the following criteria: it is a conservative change, it occurs at a poorly conserved position in the protein, it is predicted to be benign by multiple in silico algorithms, and/or has population frequency not consistent with disease.

Breakthrough Genomics
Classification: Benign. Review status: criteria provided, single submitter. Criteria: ACMG Guidelines, 2015. Collection method: not provided. Allele origin: germline. Inheritance: Autosomal recessive inheritance. Affected: yes.